The following is an entry in ClinVar:

ClinVar aggregate classification (germline): Pathogenic. Review status: criteria provided, multiple submitters, no conflicts (2 of 4 stars). 2 submissions from 2 submitters: Pathogenic (2). Last evaluated 2026-06-29.

Conditions:
Basal cell nevus syndrome 1 (BCNS1). Also called: GORLIN-GOLTZ SYNDROME; MULTIPLE BASAL CELL NEVI, ODONTOGENIC KERATOCYSTS, AND SKELETAL ANOMALIES. Identifiers: MedGen CN376810, MONDO:0958174, OMIM 109400.
Gorlin syndrome. Also called: Nevoid Basal Cell Carcinoma Syndrome; Basal cell nevus syndrome. Identifiers: Orphanet 377, MedGen C0004779, MONDO:0007187.

Submissions (2):

Victorian Clinical Genetics Services, Murdoch Childrens Research Institute
Classification: Pathogenic for Basal cell nevus syndrome 1. Last evaluated: 2026-06-29. Review status: criteria provided, single submitter. Criteria: ACMG Guidelines, 2015. Collection method: clinical testing. Allele origin: germline. Affected: yes.
Comment: This variant is classified as Pathogenic. Evidence in support of pathogenic classification: Variant is predicted to cause nonsense-mediated decay (NMD) and loss of protein (premature termination codon is located at least 54 nucleotides upstream of the final exon-exon junction); Variant is absent from gnomAD (v2, v3 and v4); This variant has limited previous evidence of pathogenicity in an unrelated individual. This variant has been classified as pathogenic by a clinical laboratory in ClinVar; Other NMD-predicted variants comparable to the one identified in this case have very strong previous evidence for pathogenicity (DECIPHER). Additional information: This variant is heterozygous; This gene is associated with autosomal dominant disease; No published evidence of segregation with disease has been identified for this variant; No published functional evidence has been identified for this variant; Loss of function is a known mechanism of disease in this gene and is associated with basal cell naevus syndrome 1 (MIM#109400). The mechanism of holoprosencephaly 7 (MIM#610828) is unclear, but gain of function has been suggested (PMID: 18830227); Variants in this gene are known to have variable expressivity (OMIM, PMID: 30411536); Inheritance information for this variant is not currently available in this individual.

Labcorp Genetics (formerly Invitae), Labcorp
Classification: Pathogenic for Gorlin syndrome. Last evaluated: 2017-09-28. Review status: criteria provided, single submitter. Criteria: Invitae Variant Classification Sherloc (09022015). Collection method: clinical testing. Allele origin: germline.
Comment: This sequence change creates a premature translational stop signal (p.Thr551Asnfs*76) in the PTCH1 gene. It is expected to result in an absent or disrupted protein product. This variant is not present in population databases (ExAC no frequency). This variant has been reported in an individual affected with nevoid basal cell carcinoma syndrome (PMID: 9415689). This variant is also known as 1639insA in the literature. Loss-of-function variants in PTCH1 are known to be pathogenic (PMID: 16301862, 16419085). For these reasons, this variant has been classified as Pathogenic.

Literature cited by the submitters: PubMed 18830227 (cited by Victorian Clinical Genetics Services, Murdoch Childrens Research Institute); PubMed 30411536 (cited by Victorian Clinical Genetics Services, Murdoch Childrens Research Institute); PubMed 9415689 (cited by Labcorp Genetics (formerly Invitae), Labcorp); PubMed 16301862 (cited by Labcorp Genetics (formerly Invitae), Labcorp); PubMed 16419085 (cited by Labcorp Genetics (formerly Invitae), Labcorp).

NM_000264.5(PTCH1):c.1651dup (p.Thr551fs)

Gene: PTCH1 (patched 1; minus strand). Cytogenetic location: 9q22.32.
Variant type: Duplication.
Coding change: c.1651dup on transcript NM_000264.5 (MANE Select); coding-DNA position 1651, one base duplicated (A; older notation c.1651dupA).
Protein change: p.Thr551fs; shifts the reading frame from threonine 551.
Molecular consequence: frameshift variant. On other transcripts: non-coding transcript variant (1).
Genome position (GRCh38, 1-based): chr9:95,476,111, T duplicated on the plus strand (A on the coding strand, the reverse complement: PTCH1 is on the minus strand). VCF-style (leftmost placement, unchanged base first): chr9-95476110-G-GT. GRCh37 (hg19) VCF-style: chr9-98238392-G-GT.
Other names: c.1651dupA (NM_000264.3); c.1453dup, p.Thr485fs (NM_001083602.3); c.1648dup, p.Thr550fs (NM_001083603.3); c.1198dup, p.Thr400fs (NM_001083604.3, NM_001083605.3, NM_001083606.3 and 1 more transcripts); c.1495dup, p.Thr499fs (NM_001354918.2); short protein forms T400fs, T499fs, T551fs, T485fs, T550fs.
Identifiers: ClinVar variation 524542 (VCV000524542.10), dbSNP rs1554697928, ClinGen allele CA658797240.